The following is an entry in ClinVar:

ClinVar aggregate classification (germline): Uncertain significance (1 of 4 stars; one submission).

Allele frequency attached by ClinVar (database versions not stated): ExAC 0.00014; gnomAD exomes 0.00014; 1000 Genomes Project 30x 0.00031; 1000 Genomes Project 0.00040.

Submission:

Labcorp Genetics (formerly Invitae), Labcorp
Classification: Uncertain significance. Last evaluated: 2025-10-13. Review status: criteria provided, single submitter. Criteria: Invitae Variant Classification Sherloc (09022015). Collection method: clinical testing. Allele origin: germline.
Comment: This sequence change replaces arginine, which is basic and polar, with glutamine, which is neutral and polar, at codon 1311 of the LCT protein (p.Arg1311Gln). This variant is present in population databases (rs185632404, gnomAD 0.2%). This variant has not been reported in the literature in individuals affected with LCT-related conditions. ClinVar contains an entry for this variant (Variation ID: 1419910). An algorithm developed to predict the effect of missense changes on protein structure and function outputs the following: PolyPhen-2: "Benign". The glutamine amino acid residue is found in multiple mammalian species, which suggests that this missense change does not adversely affect protein function. In summary, the available evidence is currently insufficient to determine the role of this variant in disease. Therefore, it has been classified as a Variant of Uncertain Significance.

NM_002299.4(LCT):c.3932G>A (p.Arg1311Gln)

Gene: LCT (lactase; minus strand). Cytogenetic location: 2q21.3.
Variant type: single nucleotide variant.
Coding change: c.3932G>A on transcript NM_002299.4 (MANE Select); coding-DNA position 3932, G replaced by A.
Protein change: p.Arg1311Gln; replaces arginine 1311 with glutamine.
Molecular consequence: missense variant.
Genome position (GRCh38, 1-based): chr2:135,807,369, C>T on the plus strand (G>A on the coding strand, the complement: LCT is on the minus strand). VCF-style: chr2-135807369-C-T. GRCh37 (hg19) VCF-style: chr2-136564939-C-T.
Other names: short protein forms R1311Q.
Identifiers: ClinVar variation 1419910 (VCV001419910.8), dbSNP rs185632404, ClinGen allele CA1887945.